The following is an entry in ClinVar:

ClinVar aggregate classification (germline): Likely benign. Review status: criteria provided, multiple submitters, no conflicts (2 of 4 stars). 3 submissions from 3 submitters: Likely benign (3). Last evaluated 2025-12-17.

Allele frequency attached by ClinVar (database versions not stated): TOPMed 0.00002; gnomAD 0.00003; ExAC 0.00006.

Submissions (3):

Labcorp Genetics (formerly Invitae), Labcorp
Classification: Likely benign. Last evaluated: 2025-12-17. Review status: criteria provided, single submitter. Criteria: Invitae Variant Classification Sherloc (09022015). Collection method: clinical testing. Allele origin: germline.

Blueprint Genetics
Classification: Likely benign. Last evaluated: 2024-11-22. Review status: criteria provided, single submitter. Criteria: ACMG Guidelines, 2015. Collection method: clinical testing. Allele origin: germline.

CeGaT Center for Human Genetics Tuebingen
Classification: Likely benign. Last evaluated: 2022-12-01. Review status: criteria provided, single submitter. Criteria: CeGaT Center For Human Genetics Tuebingen Variant Classification Criteria Version 2. Collection method: clinical testing. Allele origin: germline. Affected: yes. Observed: 1 variant allele.
Comment: KISS1R: BP4, BP7

NM_032551.5(KISS1R):c.870C>T (p.Pro290=)

Gene: KISS1R (KISS1 receptor; plus strand). Cytogenetic location: 19p13.3.
Variant type: single nucleotide variant.
Coding change: c.870C>T on transcript NM_032551.5 (MANE Select); coding-DNA position 870, C replaced by T.
Protein change: p.Pro290=; no amino-acid change (proline 290 retained).
Molecular consequence: synonymous variant.
Genome position (GRCh38, 1-based): chr19:920,421, C>T. VCF-style: chr19-920421-C-T. GRCh37 (hg19) VCF-style: chr19-920421-C-T.
Identifiers: ClinVar variation 2648881 (VCV002648881.26), dbSNP rs764046557, ClinGen allele CA9028857.